The following is an entry in ClinVar:

ClinVar aggregate classification (germline): Uncertain significance. Review status: criteria provided, multiple submitters, no conflicts (2 of 4 stars). 2 submissions from 2 submitters: Uncertain significance (2). Last evaluated 2025-06-30.

Conditions:
Multiple mitochondrial dysfunctions syndrome 3 (MMDS3). Identifiers: Orphanet 363424, MedGen C3809165, MONDO:0014132, OMIM 615330.
Hereditary spastic paraplegia 74. Also called: Spastic paraplegia 74, autosomal recessive. Identifiers: Orphanet 468661, MedGen C5568837, MONDO:0014644, OMIM 616451.
Inborn genetic diseases. Identifiers: MedGen C0950123, MeSH D030342.

Allele frequency attached by ClinVar (database versions not stated): gnomAD 0.00001; gnomAD exomes 0.00001 and 0.00008; TOPMed 0.00001.
gnomAD v4.1: 111 of 1,538,316 alleles (0.0072%); highest among the groups gnomAD compares: Non-Finnish European, 0.0094%; no homozygotes.

Submissions (2):

Ambry Genetics
Classification: Uncertain significance for Inborn genetic diseases. Last evaluated: 2025-06-30. Review status: criteria provided, single submitter. Criteria: Ambry Variant Classification Scheme 2023. Collection method: clinical testing. Allele origin: germline.

Labcorp Genetics (formerly Invitae), Labcorp
Classification: Uncertain significance for Multiple mitochondrial dysfunctions syndrome 3; Hereditary spastic paraplegia 74. Last evaluated: 2022-11-07. Review status: criteria provided, single submitter. Criteria: Invitae Variant Classification Sherloc (09022015). Collection method: clinical testing. Allele origin: germline.
Comment: In summary, the available evidence is currently insufficient to determine the role of this variant in disease. Therefore, it has been classified as a Variant of Uncertain Significance. Advanced modeling of protein sequence and biophysical properties (such as structural, functional, and spatial information, amino acid conservation, physicochemical variation, residue mobility, and thermodynamic stability) performed at Invitae indicates that this missense variant is not expected to disrupt IBA57 protein function. ClinVar contains an entry for this variant (Variation ID: 1387025). This variant has not been reported in the literature in individuals affected with IBA57-related conditions. This variant is present in population databases (no rsID available, gnomAD 0.002%). This sequence change replaces asparagine, which is neutral and polar, with serine, which is neutral and polar, at codon 76 of the IBA57 protein (p.Asn76Ser).

NM_001010867.4(IBA57):c.227A>G (p.Asn76Ser)

Gene: IBA57 (iron-sulfur cluster assembly factor IBA57; plus strand). Cytogenetic location: 1q42.13.
Variant type: single nucleotide variant.
Coding change: c.227A>G on transcript NM_001010867.4 (MANE Select); coding-DNA position 227, A replaced by G.
Protein change: p.Asn76Ser; replaces asparagine 76 with serine.
Molecular consequence: missense variant.
Genome position (GRCh38, 1-based): chr1:228,166,043, A>G. VCF-style: chr1-228166043-A-G. GRCh37 (hg19) VCF-style: chr1-228353744-A-G.
Other names: c.227A>G (NM_001010867.2); short protein forms N76S.
Identifiers: ClinVar variation 1387025 (VCV001387025.7), dbSNP rs1168294957, ClinGen allele CA345105805.
Genomic context (GRCh38, chr1:228,166,043, plus strand): 5'-GCACCCTGCTGCGCGTGCGTGGCCCCGACGCGGCGCCCTTCCTGCTAGGGCTGCTGACCA[A>G]TGAACTGCCGCTTCCGAGTCCTGCGGCCGCGGGGGCCCCGCCTGCTGCGCGCGCGGGCTA-3'
Protein context (NP_001010867.1, residues 66-86): AAPFLLGLLT[Asn76Ser]ELPLPSPAAA